The following is an entry in ClinVar:

ClinVar aggregate classification (germline): Uncertain significance. Review status: criteria provided, multiple submitters, no conflicts (2 of 4 stars). 2 submissions from 2 submitters: Uncertain significance (2). Last evaluated 2024-01-28.

Conditions:
RASopathy. Also called: rasopathies; Noonan spectrum disorder. Identifiers: Orphanet 536391, MedGen C5555857, MONDO:0021060.

Allele frequency attached by ClinVar (database versions not stated): gnomAD exomes below 0.00001.
gnomAD v4.1: 1 of 1,613,806 alleles (0.000062%); highest among the groups gnomAD compares: South Asian, 0.0011%; no homozygotes.

Submissions (2):

Labcorp Genetics (formerly Invitae), Labcorp
Classification: Uncertain significance for RASopathy. Last evaluated: 2024-01-28. Review status: criteria provided, single submitter. Criteria: Invitae Variant Classification Sherloc (09022015). Collection method: clinical testing. Allele origin: germline.
Comment: This sequence change replaces histidine, which is basic and polar, with aspartic acid, which is acidic and polar, at codon 1320 of the SOS1 protein (p.His1320Asp). This variant is not present in population databases (gnomAD no frequency). This variant has not been reported in the literature in individuals affected with SOS1-related conditions. ClinVar contains an entry for this variant (Variation ID: 2436245). Advanced modeling of protein sequence and biophysical properties (such as structural, functional, and spatial information, amino acid conservation, physicochemical variation, residue mobility, and thermodynamic stability) has been performed at Invitae for this missense variant, however the output from this modeling did not meet the statistical confidence thresholds required to predict the impact of this variant on SOS1 protein function. In summary, the available evidence is currently insufficient to determine the role of this variant in disease. Therefore, it has been classified as a Variant of Uncertain Significance.

Revvity Omics, Revvity
Classification: Uncertain significance. Last evaluated: 2021-12-07. Review status: criteria provided, single submitter. Criteria: ACMG Guidelines, 2015. Collection method: clinical testing. Allele origin: germline.

NM_005633.4(SOS1):c.3958C>G (p.His1320Asp)

Gene: SOS1 (SOS Ras/Rac guanine nucleotide exchange factor 1; minus strand). Cytogenetic location: 2p22.1.
Variant type: single nucleotide variant.
Coding change: c.3958C>G on transcript NM_005633.4 (MANE Select); coding-DNA position 3958, C replaced by G.
Protein change: p.His1320Asp; replaces histidine 1320 with aspartic acid.
Molecular consequence: missense variant.
Genome position (GRCh38, 1-based): chr2:38,985,868, G>C on the plus strand (C>G on the coding strand, the complement: SOS1 is on the minus strand). VCF-style: chr2-38985868-G-C. GRCh37 (hg19) VCF-style: chr2-39213009-G-C.
Other names: c.3937C>G, p.His1313Asp (NM_001382394.1); c.3913C>G, p.His1305Asp (NM_001382395.1); short protein forms H1305D, H1313D, H1320D.
Identifiers: ClinVar variation 2436245 (VCV002436245.6), dbSNP rs2528868942, ClinGen allele CA346361957.
Genomic context (GRCh38, chr2:38,985,868, plus strand): 5'-CCCAGTACAGAGGAACTCAGGAAGAATGGGCATTCTCCAACAGTGGTGGTCCATCTCTGT[G>C]CATGGATGGGTGTGTGTGCTCCCTTTTGTAAGTTTTTGGAGGGAGTTTAGGGATATGTTG-3'
Protein context (NP_005624.2, residues 1310-1330): YKREHTHPSM[His1320Asp]RDGPPLLENA